The following is an entry in ClinVar:

NM_003001.5(SDHC):c.326G>C (p.Gly109Ala)

Gene: SDHC (succinate dehydrogenase complex subunit C; plus strand). Cytogenetic location: 1q23.3.
Variant type: single nucleotide variant.
Coding change: c.326G>C on transcript NM_003001.5 (MANE Select); coding-DNA position 326, G replaced by C.
Protein change: p.Gly109Ala; replaces glycine 109 with alanine.
Molecular consequence: missense variant. On other transcripts: non-coding transcript variant (1), intron variant (3).
Genome position (GRCh38, 1-based): chr1:161,356,761, G>C. VCF-style: chr1-161356761-G-C. GRCh37 (hg19) VCF-style: chr1-161326551-G-C.
Other names: c.224G>C, p.Gly75Ala (NM_001035512.3); c.167G>C, p.Gly56Ala (NM_001035513.3); c.446G>C, p.Gly149Ala (NM_001407115.1); c.269G>C, p.Gly90Ala (NM_001407116.1); c.263G>C, p.Gly88Ala (NM_001407117.1); c.218G>C, p.Gly73Ala (NM_001407118.1); c.215G>C, p.Gly72Ala (NM_001407119.1, NM_001407120.1); c.242-5568G>C (NM_001035511.3); and 2 more; short protein forms G109A, G56A, G75A, G149A, G72A, G73A, G90A, G88A.
Identifiers: ClinVar variation 651216 (VCV000651216.12), dbSNP rs1571890248, ClinGen allele CA343456497.

ClinVar aggregate classification (germline): Uncertain significance. Review status: criteria provided, multiple submitters, no conflicts (2 of 4 stars). 2 submissions from 2 submitters: Uncertain significance (2). Last evaluated 2025-01-12.

Conditions:
Pheochromocytoma/paraganglioma syndrome 3. Also called: SDHC-Related Hereditary Paraganglioma-Pheochromocytoma Syndrome (Paragangliomas 3); SDHC-Related Hereditary Paraganglioma-Pheochromocytoma Syndrome; GLOMUS TUMORS, FAMILIAL, 3; Paragangliomas 3. Identifiers: Orphanet 29072, MedGen C1854336, MONDO:0011544, OMIM 605373.
Gastrointestinal stromal tumor. Also called: Gastrointestinal stromal tumor, somatic; Gastrointestinal stroma tumor. Identifiers: Orphanet 44890, MedGen C0238198, MeSH D046152, MONDO:0011719, OMIM 606764, HP:0100723.
Hereditary cancer-predisposing syndrome. Also called: Neoplastic Syndromes, Hereditary; Tumor predisposition; Hereditary Cancer Syndrome; Hereditary neoplastic syndrome. Identifiers: Orphanet 140162, MedGen C0027672, MeSH D009386, MONDO:0015356.

Allele frequency attached by ClinVar (database versions not stated): TOPMed below 0.00001; gnomAD 0.00001.
gnomAD v4.1: 11 of 1,613,720 alleles (0.00068%); highest among the groups gnomAD compares: Non-Finnish European, 0.00093%; no homozygotes.

Submissions (2):

Labcorp Genetics (formerly Invitae), Labcorp
Classification: Uncertain significance for Pheochromocytoma/paraganglioma syndrome 3; Gastrointestinal stromal tumor. Last evaluated: 2025-01-12. Review status: criteria provided, single submitter. Criteria: Invitae Variant Classification Sherloc (09022015). Collection method: clinical testing. Allele origin: germline.
Comment: This sequence change replaces glycine, which is neutral and non-polar, with alanine, which is neutral and non-polar, at codon 109 of the SDHC protein (p.Gly109Ala). This variant is not present in population databases (gnomAD no frequency). This variant has not been reported in the literature in individuals affected with SDHC-related conditions. ClinVar contains an entry for this variant (Variation ID: 651216). An algorithm developed to predict the effect of missense changes on protein structure and function outputs the following: PolyPhen-2: "Benign". The alanine amino acid residue is found in multiple mammalian species, which suggests that this missense change does not adversely affect protein function. In summary, the available evidence is currently insufficient to determine the role of this variant in disease. Therefore, it has been classified as a Variant of Uncertain Significance.

Ambry Genetics
Classification: Uncertain significance for Hereditary cancer-predisposing syndrome. Last evaluated: 2024-08-19. Review status: criteria provided, single submitter. Criteria: Ambry Variant Classification Scheme 2023. Collection method: clinical testing. Allele origin: germline.
Comment: The p.G109A variant (also known as c.326G>C), located in coding exon 5 of the SDHC gene, results from a G to C substitution at nucleotide position 326. The glycine at codon 109 is replaced by alanine, an amino acid with similar properties. This amino acid position is well conserved in available vertebrate species. In addition, the in silico prediction for this alteration is inconclusive. Based on the available evidence, the clinical significance of this variant remains unclear.